The following is an entry in ClinVar:

NM_000540.3(RYR1):c.8878C>T (p.Leu2960=)

Gene: RYR1 (ryanodine receptor 1; plus strand). Cytogenetic location: 19q13.2.
Variant type: single nucleotide variant.
Coding change: c.8878C>T on transcript NM_000540.3 (MANE Select); coding-DNA position 8878, C replaced by T.
Protein change: p.Leu2960=; no amino-acid change (leucine 2960 retained).
Molecular consequence: synonymous variant.
Genome position (GRCh38, 1-based): chr19:38,507,773, C>T. VCF-style: chr19-38507773-C-T. GRCh37 (hg19) VCF-style: chr19-38998413-C-T.
Other names: c.8878C>T, p.Leu2960= (NM_001042723.2).
Identifiers: ClinVar variation 4756819 (VCV004756819.1).

ClinVar aggregate classification (germline): Uncertain significance (1 of 4 stars; one submission).

Conditions:
Malignant hyperthermia, susceptibility to, 1 (MHS1). Also called: RYR1-Related Malignant Hyperthermia Susceptibility; Malignant hyperthermia suceptibility 1; Anesthesia related hyperthermia; Malignant hyperpyrexia; Fulminating hyperpyrexia; Pharmacogenic myopathy. Identifiers: Orphanet 423, MedGen C2930980, MONDO:0007783, OMIM 145600.

Submission:

Color Diagnostics, LLC DBA Color Health
Classification: Uncertain significance for Malignant hyperthermia, susceptibility to, 1. Last evaluated: 2025-06-09. Review status: criteria provided, single submitter. Criteria: ACMG Guidelines, 2015. Collection method: clinical testing. Allele origin: germline.
Comment: This variant is located in the RYR1 protein. To our knowledge, functional studies have not been reported for this variant. This variant has not been reported in individuals affected with RYR1-related disorders in the literature. This variant has not been identified in the general population by the Genome Aggregation Database (gnomAD). The available evidence is insufficient to determine the role of this variant in disease conclusively. Therefore, this variant is classified as a Variant of Uncertain Significance.